The following is an entry in ClinVar:

NM_004318.4(ASPH):c.322+12708T>A

Gene: ASPH (aspartate beta-hydroxylase; minus strand). Cytogenetic location: 8q12.3.
Variant type: single nucleotide variant.
Coding change: c.322+12708T>A on transcript NM_004318.4 (MANE Select); 12708 bases into the intron after coding-DNA position 322, T replaced by A.
Molecular consequence: intron variant. On other transcripts: missense variant (2).
Genome position (GRCh38, 1-based): chr8:61,668,260, A>T on the plus strand (T>A on the coding strand, the complement: ASPH is on the minus strand). VCF-style: chr8-61668260-A-T. GRCh37 (hg19) VCF-style: chr8-62580819-A-T.
Other names: c.296T>A, p.Val99Glu (NM_020164.5); c.251T>A, p.Val84Glu (NM_032467.4); c.235+12708T>A (NM_001164750.2); c.322+12708T>A (NM_001164755.2, NM_001164754.2, NM_032466.4); c.280+12708T>A (NM_001164753.2, NM_001164752.2, NM_001164751.2 and 1 more transcripts); c.296T>A (NM_020164.4); short protein forms V84E, V99E.
Identifiers: ClinVar variation 1284625 (VCV001284625.6), dbSNP rs527506012, ClinGen allele CA4762378.

ClinVar aggregate classification (germline): Likely benign. Review status: criteria provided, single submitter (1 of 4 stars). 4 submissions from 4 submitters: Likely benign (1). 3 of the submissions do not count toward it.

Conditions:
ASPH-related disorder. Also called: ASPH-related condition.

Allele frequency attached by ClinVar (database versions not stated): gnomAD exomes 0.00035; ExAC 0.00088; 1000 Genomes Project 30x 0.00141; 1000 Genomes Project 0.00160; gnomAD 0.00320 and 0.00322.
gnomAD v4.1: 3,660 of 1,608,104 alleles (0.23%); highest among the groups gnomAD compares: Non-Finnish European, 0.22%; 21 homozygotes.

Submissions (4):

Breakthrough Genomics
Classification: Likely benign. Review status: criteria provided, single submitter. Criteria: ACMG Guidelines, 2015. Collection method: not provided. Allele origin: germline. Inheritance: Autosomal recessive inheritance. Affected: yes.

PreventionGenetics, part of Exact Sciences
Classification: Likely benign for ASPH-related condition. Last evaluated: 2022-02-14. Review status: no assertion criteria provided. Collection method: clinical testing. Allele origin: germline. Not counted in ClinVar's aggregate classification.
Comment: This variant is classified as likely benign based on ACMG/AMP sequence variant interpretation guidelines (Richards et al. 2015 PMID: 25741868, with internal and published modifications).

Clinical Genetics DNA and cytogenetics Diagnostics Lab, Erasmus MC, Erasmus Medical Center
Classification: Likely benign. Review status: no assertion criteria provided. Collection method: clinical testing. Allele origin: germline. Affected: yes. Study: VKGL Data-share Consensus. Not counted in ClinVar's aggregate classification.

Clinical Genetics, Academic Medical Center
Classification: Likely benign. Review status: no assertion criteria provided. Collection method: clinical testing. Allele origin: germline. Affected: yes. Study: VKGL Data-share Consensus. Not counted in ClinVar's aggregate classification.